The following is an entry in ClinVar:

NM_172166.4(MSH5):c.541C>T (p.Arg181Ter)

Genes: MSH5 (mutS homolog 5; plus strand), MSH5-SAPCD1 (MSH5-SAPCD1 readthrough (NMD candidate); plus strand). Cytogenetic location: 6p21.33.
Variant type: single nucleotide variant.
Coding change: c.541C>T on transcript NM_172166.4 (MANE Select); coding-DNA position 541, C replaced by T.
Protein change: p.Arg181Ter; replaces arginine 181 with a stop codon.
Molecular consequence: nonsense. On other transcripts: non-coding transcript variant (1).
Genome position (GRCh38, 1-based): chr6:31,744,193, C>T. VCF-style: chr6-31744193-C-T. GRCh37 (hg19) VCF-style: chr6-31711970-C-T.
Other names: c.541C>T, p.Arg181Ter (NM_002441.5, NM_172165.4); c.592C>T, p.Arg198Ter (NM_025259.6); short protein forms R181*, R198*.
Identifiers: ClinVar variation 4850608 (VCV004850608.1).

ClinVar aggregate classification (germline): Likely pathogenic (1 of 4 stars; one submission).

Conditions:
Spermatogenic failure 74 (SPGF74). Identifiers: MedGen C5677010, MONDO:0030972, OMIM 619937.
Premature ovarian failure 13 (POF13). Identifiers: MedGen C4479510, MONDO:0044317, OMIM 617442.

gnomAD v4.1: 231 of 1,610,702 alleles (0.014%); highest among the groups gnomAD compares: Non-Finnish European, 0.018%; 1 homozygote.

Submission:

First Genomix Gene Laboratory, Genetic Diagnostics Department
Classification: Likely pathogenic for Premature ovarian failure 13; Spermatogenic failure 74. Last evaluated: 2025-12-26. Review status: criteria provided, single submitter. Criteria: ACMG Guidelines, 2015. Collection method: clinical testing. Allele origin: germline. Inheritance: Autosomal recessive inheritance. Affected: no. Observed: 1 variant allele.